The following is an entry in ClinVar:

NM_001394062.1(MACF1):c.8825T>C (p.Val2942Ala)

Gene: MACF1 (microtubule actin crosslinking factor 1; plus strand). Cytogenetic location: 1p34.3.
Variant type: single nucleotide variant.
Coding change: c.8825T>C on transcript NM_001394062.1 (MANE Select); coding-DNA position 8825, T replaced by C.
Protein change: p.Val2942Ala; replaces valine 2942 with alanine.
Molecular consequence: missense variant. On other transcripts: intron variant (1).
Genome position (GRCh38, 1-based): chr1:39,335,413, T>C. VCF-style: chr1-39335413-T-C. GRCh37 (hg19) VCF-style: chr1-39801085-T-C.
Other names: c.4629+8060T>C (NM_012090.5); short protein forms V2942A.
Identifiers: ClinVar variation 4966976 (VCV004966976.2).

ClinVar aggregate classification (germline): Benign/Likely benign. Review status: criteria provided, multiple submitters, no conflicts (2 of 4 stars). 2 submissions from 2 submitters: Benign (1); Likely benign (1). Last evaluated 2026-07-01.

gnomAD v4.1: 261 of 1,614,094 alleles (0.016%); highest among the groups gnomAD compares: Admixed American, 0.43%; 1 homozygote.

Submissions (2):

CeGaT Center for Human Genetics Tuebingen
Classification: Benign. Last evaluated: 2026-07-01. Review status: criteria provided, single submitter. Criteria: CeGaT Center For Human Genetics Tuebingen Variant Classification Criteria Version 2. Collection method: clinical testing. Allele origin: germline. Affected: yes. Observed: 1 variant allele.
Comment: MACF1: BP4, BS1, BS2

Blueprint Genetics
Classification: Likely benign. Last evaluated: 2021-03-17. Review status: criteria provided, single submitter. Criteria: ACMG Guidelines, 2015. Collection method: clinical testing. Allele origin: germline.